The following is an entry in ClinVar:

NM_001267550.2(TTN):c.33762A>G (p.Lys11254=)

Gene: TTN (titin; minus strand). Cytogenetic location: 2q31.2.
Variant type: single nucleotide variant.
Coding change: c.33762A>G on transcript NM_001267550.2 (MANE Select); coding-DNA position 33762, A replaced by G.
Protein change: p.Lys11254=; no amino-acid change (lysine 11254 retained).
Molecular consequence: synonymous variant. On other transcripts: intron variant (3).
Genome position (GRCh38, 1-based): chr2:178,678,811, T>C on the plus strand (A>G on the coding strand, the complement: TTN is on the minus strand). VCF-style: chr2-178678811-T-C. GRCh37 (hg19) VCF-style: chr2-179543538-T-C.
Other names: c.30030A>G, p.Lys10010= (NM_133378.4); c.32811A>G, p.Lys10937= (NM_001256850.1); c.13283-36494A>G (NM_003319.4); c.13859-36494A>G (NM_133437.4); c.13658-36494A>G (NM_133432.3).
Identifiers: ClinVar variation 228085 (VCV000228085.21), dbSNP rs749466171, ClinGen allele CA1998235.

ClinVar aggregate classification (germline): Likely benign. Review status: criteria provided, multiple submitters, no conflicts (2 of 4 stars). 3 submissions from 3 submitters: Likely benign (3). Last evaluated 2025-03-01.

Conditions:
Autosomal recessive limb-girdle muscular dystrophy type 2J (LGMDR10). Also called: Limb-girdle muscular dystrophy, type 2J; MUSCULAR DYSTROPHY, LIMB-GIRDLE, AUTOSOMAL RECESSIVE 10. Identifiers: Orphanet 140922, MedGen C1837342, MONDO:0012127, OMIM 608807.
Dilated cardiomyopathy 1G (CMD1G). Identifiers: Orphanet 154, MedGen C1858763, MONDO:0011400, OMIM 604145.

Allele frequency attached by ClinVar (database versions not stated): ExAC 0.00001; gnomAD 0.00001; gnomAD exomes 0.00001 and 0.00002; TOPMed 0.00001.
gnomAD v4.1: 18 of 1,597,522 alleles (0.0011%); highest among the groups gnomAD compares: Non-Finnish European, 0.0014%; no homozygotes.

Submissions (3):

CeGaT Center for Human Genetics Tuebingen
Classification: Likely benign. Last evaluated: 2025-03-01. Review status: criteria provided, single submitter. Criteria: CeGaT Center For Human Genetics Tuebingen Variant Classification Criteria Version 2. Collection method: clinical testing. Allele origin: germline. Affected: yes. Observed: 1 variant allele.
Comment: TTN: BP4, BP7

Labcorp Genetics (formerly Invitae), Labcorp
Classification: Likely benign for Dilated cardiomyopathy 1G; Autosomal recessive limb-girdle muscular dystrophy type 2J. Last evaluated: 2023-08-24. Review status: criteria provided, single submitter. Criteria: Invitae Variant Classification Sherloc (09022015). Collection method: clinical testing. Allele origin: germline.

Laboratory for Molecular Medicine, Mass General Brigham Personalized Medicine
Classification: Likely benign. Last evaluated: 2016-01-11. Review status: criteria provided, single submitter. Criteria: LMM Criteria. Collection method: clinical testing. Allele origin: germline. Observed: 1 variant allele.
Comment: p.Lys10010Lys variant in exon 140 of TTN: This variant is not expected to have c linical significance because it does not alter an amino acid residue and is not located within the splice consensus sequence. It has been identified in 1/66630 European chromosomes by the Exome Aggregation Consortium (ExAC)